The following is an entry in ClinVar:

NM_001792.5(CDH2):c.1273G>A (p.Gly425Arg)

Gene: CDH2 (cadherin 2; minus strand). Cytogenetic location: 18q12.1.
Variant type: single nucleotide variant.
Coding change: c.1273G>A on transcript NM_001792.5 (MANE Select); coding-DNA position 1273, G replaced by A.
Protein change: p.Gly425Arg; replaces glycine 425 with arginine.
Molecular consequence: missense variant.
Genome position (GRCh38, 1-based): chr18:27,992,726, C>T on the plus strand (G>A on the coding strand, the complement: CDH2 is on the minus strand). VCF-style: chr18-27992726-C-T. GRCh37 (hg19) VCF-style: chr18-25572690-C-T.
Other names: c.1180G>A, p.Gly394Arg (NM_001308176.2); short protein forms G425R, G394R.
Identifiers: ClinVar variation 1766031 (VCV001766031.8), dbSNP rs201382169, ClinGen allele CA8923467.

ClinVar aggregate classification (germline): Uncertain significance. Review status: criteria provided, multiple submitters, no conflicts (2 of 4 stars). 2 submissions from 2 submitters: Uncertain significance (2). Last evaluated 2025-11-21.

Conditions:
Inborn genetic diseases. Identifiers: MedGen C0950123, MeSH D030342.

Allele frequency attached by ClinVar (database versions not stated): gnomAD 0.00001; gnomAD exomes 0.00002; ExAC 0.00003.
gnomAD v4.1: 28 of 1,613,912 alleles (0.0017%); highest among the groups gnomAD compares: East Asian, 0.0089%; no homozygotes.

Submissions (2):

Labcorp Genetics (formerly Invitae), Labcorp
Classification: Uncertain significance. Last evaluated: 2025-11-21. Review status: criteria provided, single submitter. Criteria: Invitae Variant Classification Sherloc (09022015). Collection method: clinical testing. Allele origin: germline.
Comment: This sequence change replaces glycine, which is neutral and non-polar, with arginine, which is basic and polar, at codon 425 of the CDH2 protein (p.Gly425Arg). This variant is present in population databases (rs201382169, gnomAD 0.02%). This variant has not been reported in the literature in individuals affected with CDH2-related conditions. ClinVar contains an entry for this variant (Variation ID: 1766031). An algorithm developed to predict the effect of missense changes on protein structure and function (PolyPhen-2) suggests that this variant is likely to be disruptive. In summary, the available evidence is currently insufficient to determine the role of this variant in disease. Therefore, it has been classified as a Variant of Uncertain Significance.

Ambry Genetics
Classification: Uncertain significance for Inborn genetic diseases. Last evaluated: 2025-11-18. Review status: criteria provided, single submitter. Criteria: Ambry Variant Classification Scheme 2023. Collection method: clinical testing. Allele origin: germline.
Comment: The p.G425R variant (also known as c.1273G>A), located in coding exon 9 of the CDH2 gene, results from a G to A substitution at nucleotide position 1273. The glycine at codon 425 is replaced by arginine, an amino acid with dissimilar properties. This amino acid position is conserved. In addition, this alteration is predicted to be deleterious by in silico analysis. Since supporting evidence is limited at this time, the clinical significance of this alteration remains unclear.